The following is an entry in ClinVar:

NM_004336.5(BUB1):c.1828C>A (p.Pro610Thr)

Gene: BUB1 (BUB1 mitotic checkpoint serine/threonine kinase; minus strand). Cytogenetic location: 2q13.
Variant type: single nucleotide variant.
Coding change: c.1828C>A on transcript NM_004336.5 (MANE Select); coding-DNA position 1828, C replaced by A.
Protein change: p.Pro610Thr; replaces proline 610 with threonine.
Molecular consequence: missense variant.
Genome position (GRCh38, 1-based): chr2:110,655,787, G>T on the plus strand (C>A on the coding strand, the complement: BUB1 is on the minus strand). VCF-style: chr2-110655787-G-T. GRCh37 (hg19) VCF-style: chr2-111413364-G-T.
Other names: c.1768C>A, p.Pro590Thr (NM_001278616.2); c.1828C>A, p.Pro610Thr (NM_001278617.2); short protein forms P590T, P610T.
Identifiers: ClinVar variation 1780879 (VCV001780879.2), dbSNP rs1689916533, ClinGen allele CA348210644.

ClinVar aggregate classification (germline): Uncertain significance (1 of 4 stars; one submission).

Submission:

Ambry Genetics
Classification: Uncertain significance. Last evaluated: 2021-06-30. Review status: criteria provided, single submitter. Criteria: Ambry Variant Classification Scheme 2023. Collection method: clinical testing. Allele origin: germline.
Comment: The p.P610T variant (also known as c.1828C>A), located in coding exon 16 of the BUB1 gene, results from a C to A substitution at nucleotide position 1828. The proline at codon 610 is replaced by threonine, an amino acid with highly similar properties. This amino acid position is conserved. In addition, the in silico prediction for this alteration is inconclusive. Since supporting evidence is limited at this time, the clinical significance of this alteration remains unclear.